The following is an entry in ClinVar:

NM_001042492.3(NF1):c.2T>C (p.Met1Thr)

Genes: MIR4733HG (MIR4733 host gene; minus strand), NF1 (neurofibromin 1; plus strand), LOC111811965 (NF1 (neurofibromin 1) promoter region; plus strand). Cytogenetic location: 17q11.2.
Variant type: single nucleotide variant.
Coding change: c.2T>C on transcript NM_001042492.3 (MANE Select); coding-DNA position 2, T replaced by C.
Protein change: p.Met1Thr; changes the start codon (methionine 1).
Molecular consequence: missense variant, initiator codon variant. On other transcripts: non-coding transcript variant (1).
Genome position (GRCh38, 1-based): chr17:31,095,311, T>C. VCF-style: chr17-31095311-T-C. GRCh37 (hg19) VCF-style: chr17-29422329-T-C.
Other names: c.2T>C, p.Met1Thr (NM_000267.4, NM_001128147.3); short protein forms M1T.
Identifiers: ClinVar variation 280054 (VCV000280054.21), dbSNP rs886041346, ClinGen allele CA10603591.

ClinVar aggregate classification (germline): Pathogenic/Likely pathogenic. Review status: criteria provided, multiple submitters, no conflicts (2 of 4 stars). 7 submissions from 7 submitters: Pathogenic (6); Likely pathogenic (1). Last evaluated 2025-07-01.

Conditions:
NF1-related disorder. Also called: NF1-related condition. Identifiers: MedGen CN379171.
Hereditary cancer-predisposing syndrome. Also called: Tumor predisposition; Hereditary Cancer Syndrome; Hereditary neoplastic syndrome; Neoplastic Syndromes, Hereditary. Identifiers: Orphanet 140162, MedGen C0027672, MeSH D009386, MONDO:0015356.
Cardiovascular phenotype. Identifiers: MedGen CN230736.
Neurofibromatosis, type 1 (NF1). Also called: NEUROFIBROMATOSIS, TYPE I, SOMATIC; Peripheral type neurofibromatosis; Neurofibromatosis, type I; VON RECKLINGHAUSEN DISEASE. Identifiers: Orphanet 636, MedGen C0027831, MONDO:0018975, OMIM 162200. Disease mechanism: loss of function.

Submissions (7):

NHS Central & South Genomic Laboratory Hub
Classification: Pathogenic for Neurofibromatosis type 1. Last evaluated: 2025-07-01. Review status: criteria provided, single submitter. Criteria: ACMG Guidelines, 2015. Collection method: clinical testing. Allele origin: germline. Affected: yes.

Revvity Omics, Revvity
Classification: Likely pathogenic. Last evaluated: 2025-04-17. Review status: criteria provided, single submitter. Criteria: ACMG Guidelines, 2015. Collection method: clinical testing. Allele origin: germline.

GeneDx
Classification: Pathogenic. Last evaluated: 2024-03-04. Review status: criteria provided, single submitter. Criteria: GeneDx Variant Classification Process June 2021. Collection method: clinical testing. Allele origin: germline. Affected: yes.
Comment: Not observed at significant frequency in large population cohorts (gnomAD); Initiation codon variant in a gene for which loss of function is a known mechanism of disease; This variant is associated with the following publications: (PMID: 31871297, 23668869, 10712197)

Ambry Genetics
Classification: Pathogenic for Cardiovascular phenotype; Hereditary cancer-predisposing syndrome. Last evaluated: 2024-01-16. Review status: criteria provided, single submitter. Criteria: Ambry Variant Classification Scheme 2023. Collection method: clinical testing. Allele origin: germline.
Comment: The p.M1? pathogenic mutation (also known as c.2T>C) is located in coding exon 1 of the NF1 gene and results from a T to C substitution at nucleotide position 2. This alters the methionine residue at the initiation codon (ATG). This alteration was identified in one individual from a cohort of 521 German and Turkish patients with a clinical diagnosis of neurofibromatosis type I (Fahsold R et al. Am. J. Hum. Genet., 2000 Mar;66:790-818). This variant is considered to be rare based on population cohorts in the Genome Aggregation Database (gnomAD). In addition to the clinical data presented in the literature, sequence variations that modify the initiation codon are expected to result in either loss of translation initiation, N-terminal truncation, or cause a shift in the mRNA reading frame. Based on the supporting evidence, this alteration is interpreted as a disease-causing mutation.

Labcorp Genetics (formerly Invitae), Labcorp
Classification: Pathogenic for Neurofibromatosis, type 1. Last evaluated: 2023-09-29. Review status: criteria provided, single submitter. Criteria: Invitae Variant Classification Sherloc (09022015). Collection method: clinical testing. Allele origin: germline.
Comment: For these reasons, this variant has been classified as Pathogenic. This sequence change affects the initiator methionine of the NF1 mRNA. The next in-frame methionine is located at codon 68. This variant is not present in population databases (gnomAD no frequency). Disruption of the initiator codon has been observed in individuals with neurofibromatosis type 1 (PMID: 10712197, 23668869, 23913538). ClinVar contains an entry for this variant (Variation ID: 280054).

Genome-Nilou Lab
Classification: Pathogenic for Neurofibromatosis, type 1. Last evaluated: 2022-03-15. Review status: criteria provided, single submitter. Criteria: ACMG Guidelines, 2015. Collection method: clinical testing. Allele origin: germline. Affected: no.

Blueprint Genetics
Classification: Pathogenic for NF1-related disorders. Last evaluated: 2021-12-08. Review status: criteria provided, single submitter. Criteria: ACMG Guidelines, 2015. Collection method: clinical testing. Allele origin: germline. Affected: yes. Observed: 1 variant allele.

Literature cited by the submitters: PubMed 10712197 (cited by Labcorp Genetics (formerly Invitae), Labcorp); PubMed 23668869 (cited by Labcorp Genetics (formerly Invitae), Labcorp); PubMed 23913538 (cited by Labcorp Genetics (formerly Invitae), Labcorp).